The following is an entry in ClinVar:

NC_000016.9:g.(?_84070287)_(84075762_?)del

Gene: SLC38A8 (solute carrier family 38 member 8; minus strand). Cytogenetic location: 16q23.3.
Variant type: Deletion.
Identifiers: ClinVar variation 3243592 (VCV003243592.1).

ClinVar aggregate classification (germline): Pathogenic (1 of 4 stars; one submission).

Submission:

Labcorp Genetics (formerly Invitae), Labcorp
Classification: Pathogenic. Last evaluated: 2023-08-14. Review status: criteria provided, single submitter. Criteria: Invitae Variant Classification Sherloc (09022015). Collection method: clinical testing. Allele origin: unknown.
Comment: This variant is a gross deletion of the genomic region encompassing exon(s) 1-2 of the SLC38A8 gene, which includes the initiator codon. This deletion extends beyond the assayed region for this gene and therefore may encompass additional genes. It is expected to result in an absent or disrupted protein product. Loss-of-function variants in SLC38A8 are known to be pathogenic (PMID: 24290379). This variant has not been reported in the literature in individuals affected with SLC38A8-related conditions. For these reasons, this variant has been classified as Pathogenic.

Literature cited by the submitters: PubMed 24290379.